The following is an entry in ClinVar:

NM_015346.4(ZFYVE26):c.3788A>T (p.His1263Leu)

Gene: ZFYVE26 (zinc finger FYVE-type containing 26; minus strand). Cytogenetic location: 14q24.1.
Variant type: single nucleotide variant.
Coding change: c.3788A>T on transcript NM_015346.4 (MANE Select); coding-DNA position 3788, A replaced by T.
Protein change: p.His1263Leu; replaces histidine 1263 with leucine.
Molecular consequence: missense variant.
Genome position (GRCh38, 1-based): chr14:67,783,364, T>A on the plus strand (A>T on the coding strand, the complement: ZFYVE26 is on the minus strand). VCF-style: chr14-67783364-T-A. GRCh37 (hg19) VCF-style: chr14-68250081-T-A.
Other names: short protein forms H1263L.
Identifiers: ClinVar variation 887195 (VCV000887195.11), dbSNP rs753068215, ClinGen allele CA7239904.

ClinVar aggregate classification (germline): Uncertain significance. Review status: criteria provided, multiple submitters, no conflicts (2 of 4 stars). 4 submissions from 4 submitters: Uncertain significance (4). Last evaluated 2025-06-11.

Conditions:
Inborn genetic diseases. Identifiers: MedGen C0950123, MeSH D030342.
Spastic paraplegia. Identifiers: MedGen C0037772, HP:0001258.
Hereditary spastic paraplegia 15 (SPG15). Also called: SPASTIC PARAPLEGIA 15, AUTOSOMAL RECESSIVE; KJELLIN SYNDROME; SPASTIC PARAPLEGIA AND RETINAL DEGENERATION. Identifiers: Orphanet 100996, MedGen C1849128, MONDO:0010044, OMIM 270700.

Allele frequency attached by ClinVar (database versions not stated): TOPMed 0.00001; ExAC 0.00002; gnomAD 0.00002.
gnomAD v4.1: 46 of 1,613,118 alleles (0.0029%); highest among the groups gnomAD compares: Non-Finnish European, 0.0036%; no homozygotes.

Submissions (4):

GeneDx
Classification: Uncertain significance. Last evaluated: 2025-06-11. Review status: criteria provided, single submitter. Criteria: GeneDx Variant Classification Process June 2021. Collection method: clinical testing. Allele origin: germline. Affected: yes.
Comment: Not observed at significant frequency in large population cohorts (gnomAD); In silico analysis suggests that this missense variant does not alter protein structure/function; Has not been previously published as pathogenic or benign to our knowledge

Labcorp Genetics (formerly Invitae), Labcorp
Classification: Uncertain significance for Spastic paraplegia. Last evaluated: 2025-05-05. Review status: criteria provided, single submitter. Criteria: Invitae Variant Classification Sherloc (09022015). Collection method: clinical testing. Allele origin: germline.
Comment: This sequence change replaces histidine, which is basic and polar, with leucine, which is neutral and non-polar, at codon 1263 of the ZFYVE26 protein (p.His1263Leu). This variant is present in population databases (rs753068215, gnomAD 0.003%). This variant has not been reported in the literature in individuals affected with ZFYVE26-related conditions. ClinVar contains an entry for this variant (Variation ID: 887195). An algorithm developed to predict the effect of missense changes on protein structure and function (PolyPhen-2) suggests that this variant is likely to be tolerated. In summary, the available evidence is currently insufficient to determine the role of this variant in disease. Therefore, it has been classified as a Variant of Uncertain Significance.

Ambry Genetics
Classification: Uncertain significance for Inborn genetic diseases. Last evaluated: 2024-10-01. Review status: criteria provided, single submitter. Criteria: Ambry Variant Classification Scheme 2023. Collection method: clinical testing. Allele origin: germline.

Illumina Laboratory Services, Illumina
Classification: Uncertain significance for Hereditary spastic paraplegia 15. Last evaluated: 2018-01-13. Review status: criteria provided, single submitter. Criteria: ICSL Variant Classification Criteria 13 December 2019. Collection method: clinical testing. Allele origin: germline.